The following is an entry in ClinVar:

ClinVar aggregate classification (germline): Likely pathogenic. Review status: criteria provided, multiple submitters, no conflicts (2 of 4 stars). 2 submissions from 2 submitters: Likely pathogenic (2). Last evaluated 2024-09-22.

Conditions:
Ciliary dyskinesia, primary, 40. Also called: CILIARY DYSKINESIA, PRIMARY, 40, WITH OR WITHOUT SITUS INVERSUS. Identifiers: MedGen C4749028, MONDO:0032664, OMIM 618300.

Allele frequency attached by ClinVar (database versions not stated): gnomAD 0.00002; gnomAD exomes 0.00002 and 0.00003; TOPMed 0.00002.
gnomAD v4.1: 43 of 1,582,424 alleles (0.0027%); highest among the groups gnomAD compares: Non-Finnish European, 0.0036%; no homozygotes.

Submissions (2):

Genomic Medicine Center of Excellence, King Faisal Specialist Hospital and Research Centre
Classification: Likely pathogenic for Ciliary dyskinesia, primary, 40. Last evaluated: 2024-09-22. Review status: criteria provided, single submitter. Criteria: ACMG Guidelines, 2015. Collection method: clinical testing. Allele origin: germline.

Labcorp Genetics (formerly Invitae), Labcorp
Classification: Likely pathogenic. Last evaluated: 2023-09-08. Review status: criteria provided, single submitter. Criteria: Invitae Variant Classification Sherloc (09022015). Collection method: clinical testing. Allele origin: germline.
Comment: In summary, the currently available evidence indicates that the variant is pathogenic, but additional data are needed to prove that conclusively. Therefore, this variant has been classified as Likely Pathogenic. Algorithms developed to predict the effect of sequence changes on RNA splicing suggest that this variant may disrupt the consensus splice site. ClinVar contains an entry for this variant (Variation ID: 1514281). This variant has not been reported in the literature in individuals affected with DNAH9-related conditions. This variant is present in population databases (no rsID available, gnomAD 0.005%). This sequence change affects a donor splice site in intron 10 of the DNAH9 gene. It is expected to disrupt RNA splicing. Variants that disrupt the donor or acceptor splice site typically lead to a loss of protein function (PMID: 16199547), and loss-of-function variants in DNAH9 are known to be pathogenic (PMID: 30471718).

Literature cited by the submitters: PubMed 16199547 (cited by Labcorp Genetics (formerly Invitae), Labcorp); PubMed 30471718 (cited by Labcorp Genetics (formerly Invitae), Labcorp).

NM_001372.4(DNAH9):c.1901+1G>A

Gene: DNAH9 (dynein axonemal heavy chain 9; plus strand). Cytogenetic location: 17p12.
Variant type: single nucleotide variant.
Coding change: c.1901+1G>A on transcript NM_001372.4 (MANE Select); the canonical splice donor site of the intron after coding-DNA position 1901, G replaced by A.
Molecular consequence: splice donor variant.
Genome position (GRCh38, 1-based): chr17:11,640,385, G>A. VCF-style: chr17-11640385-G-A. GRCh37 (hg19) VCF-style: chr17-11543702-G-A.
Identifiers: ClinVar variation 1514281 (VCV001514281.9), dbSNP rs953946888, ClinGen allele CA287778808.
Genomic context (GRCh38, chr17:11,640,385, plus strand): 5'-ACAGGAGCTGAGGCAGCGCATCCAGGGTCCTTTCAGCAACTTTGGACGCATCACACACCC[G>A]TGAGTATTGTGTTCCTGAAAGACAGGCTTGTCTTGGGCTGCTGTTCCTGCTCTAGAATCT-3'